The following is an entry in ClinVar:

NM_031935.3(HMCN1):c.14941G>T (p.Asp4981Tyr)

Gene: HMCN1 (hemicentin 1; plus strand). Cytogenetic location: 1q31.1.
Variant type: single nucleotide variant.
Coding change: c.14941G>T on transcript NM_031935.3 (MANE Select); coding-DNA position 14941, G replaced by T.
Protein change: p.Asp4981Tyr; replaces aspartic acid 4981 with tyrosine.
Molecular consequence: missense variant.
Genome position (GRCh38, 1-based): chr1:186,152,794, G>T. VCF-style: chr1-186152794-G-T. GRCh37 (hg19) VCF-style: chr1-186121926-G-T.
Other names: short protein forms D4981Y.
Identifiers: ClinVar variation 2978169 (VCV002978169.3), dbSNP rs112526907, ClinGen allele CA33482460.
Genomic context (GRCh38, chr1:186,152,794, plus strand): 5'-GTCTTGTAATTCCCAGGAGAAATCTTGCAGATGAGTCATATTGCCCGGGGCTTGGATTCC[G>T]ATGGTTCTTTGCTGCTAGATATCGTTGTGAGTGGCTATGTCCTACAGCTTCAGTCACCTG-3'
Protein context (NP_114141.2, residues 4971-4991): MSHIARGLDS[Asp4981Tyr]GSLLLDIVVS

ClinVar aggregate classification (germline): Uncertain significance (1 of 4 stars; one submission).

gnomAD v4.1: 11 of 1,614,010 alleles (0.00068%); highest among the groups gnomAD compares: African/African-American, 0.004%; no homozygotes.

Submission:

Labcorp Genetics (formerly Invitae), Labcorp
Classification: Uncertain significance. Last evaluated: 2025-08-18. Review status: criteria provided, single submitter. Criteria: Invitae Variant Classification Sherloc (09022015). Collection method: clinical testing. Allele origin: germline.
Comment: This sequence change replaces aspartic acid, which is acidic and polar, with tyrosine, which is neutral and polar, at codon 4981 of the HMCN1 protein (p.Asp4981Tyr). This variant is present in population databases (rs112526907, gnomAD 0.003%). This variant has not been reported in the literature in individuals affected with HMCN1-related conditions. ClinVar contains an entry for this variant (Variation ID: 2978169). An algorithm developed to predict the effect of missense changes on protein structure and function (PolyPhen-2) suggests that this variant is likely to be disruptive. In summary, the available evidence is currently insufficient to determine the role of this variant in disease. Therefore, it has been classified as a Variant of Uncertain Significance.